The following is an entry in ClinVar:

NM_000051.4(ATM):c.8055dup (p.Phe2686fs)

Genes: ATM (ATM serine/threonine kinase; plus strand), C11orf65 (chromosome 11 open reading frame 65; minus strand). Cytogenetic location: 11q22.3.
Variant type: Duplication.
Coding change: c.8055dup on transcript NM_000051.4 (MANE Select); coding-DNA position 8055, one base duplicated (A; older notation c.8055dupA).
Protein change: p.Phe2686fs; shifts the reading frame from phenylalanine 2686.
Molecular consequence: frameshift variant. On other transcripts: intron variant (2).
Genome position (GRCh38, 1-based): chr11:108,335,013, A duplicated. VCF-style (leftmost placement, unchanged base first): chr11-108335012-C-CA. GRCh37 (hg19) VCF-style: chr11-108205739-C-CA.
Other names: c.8055dup, p.Phe2686fs (NM_001351834.2); c.641-25942dup (NM_001330368.2); c.*38+207dup (NM_001351110.2); short protein forms F2686fs.
Identifiers: ClinVar variation 3652081 (VCV003652081.2).
Genomic context (GRCh38, chr11:108,335,012, plus strand): 5'-GTTTATACTTTTATTAGGTGGACCACACAGGAGAATATGGAAATCTGGTGACTATACAGT[C>CA]ATTTAAAGCAGAATTTCGCTTAGCAGGAGGTGTAAATTTACCAAAAATAATAGATTGTGT-3'

ClinVar aggregate classification (germline): Pathogenic (1 of 4 stars; one submission).

Conditions:
Ataxia-telangiectasia syndrome (AT). Also called: Ataxia-telangiectasia, complementation group D; AT, COMPLEMENTATION GROUP C; ATAXIA-TELANGIECTASIA, COMPLEMENTATION GROUP A; ATAXIA-TELANGIECTASIA, FRESNO VARIANT; Ataxia-telangiectasia; Ataxia-telangiectasia, complementation group E. Identifiers: Orphanet 100, MedGen C0004135, MONDO:0008840, OMIM 208900.

Submission:

Labcorp Genetics (formerly Invitae), Labcorp
Classification: Pathogenic for Ataxia-telangiectasia syndrome. Last evaluated: 2025-02-27. Review status: criteria provided, single submitter. Criteria: Invitae Variant Classification Sherloc (09022015). Collection method: clinical testing. Allele origin: germline.
Comment: This sequence change creates a premature translational stop signal (p.Phe2686Ilefs*2) in the ATM gene. It is expected to result in an absent or disrupted protein product. Loss-of-function variants in ATM are known to be pathogenic (PMID: 23807571, 25614872). This variant is not present in population databases (gnomAD no frequency). This variant has not been reported in the literature in individuals affected with ATM-related conditions. For these reasons, this variant has been classified as Pathogenic.

Literature cited by the submitters: PubMed 23807571; PubMed 25614872.